The following is an entry in ClinVar:

NM_001365276.2(TNXB):c.6438T>C (p.Ser2146=)

Gene: TNXB (tenascin XB; minus strand). Cytogenetic location: 6p21.33.
Variant type: single nucleotide variant.
Coding change: c.6438T>C on transcript NM_001365276.2 (MANE Select); coding-DNA position 6438, T replaced by C.
Protein change: p.Ser2146=; no amino-acid change (serine 2146 retained).
Molecular consequence: synonymous variant.
Genome position (GRCh38, 1-based): chr6:32,067,767, A>G on the plus strand (T>C on the coding strand, the complement: TNXB is on the minus strand). VCF-style: chr6-32067767-A-G. GRCh37 (hg19) VCF-style: chr6-32035544-A-G.
Other names: c.6438T>C, p.Ser2146= (NM_019105.8).
Identifiers: ClinVar variation 3046393 (VCV003046393.3), dbSNP rs748853882, ClinGen allele CA3734435.
Genomic context (GRCh38, chr6:32,067,767, plus strand): 5'-GAGGCCGTACAGGTGCATCTTGTACTTGCGCCCAGGCTCCAGGCCCCCCACGGTGACTTC[A>G]CTCTCCTCGCCCCCAACACGCACCACCTGGGGCCGCCCGTCCCTGTCCTTGTACTGCACG-3'
Protein context (NP_001352205.1, residues 2136-2156): PQVVRVGGEE[Ser2146=]EVTVGGLEPG

ClinVar aggregate classification (germline): Likely benign. Review status: criteria provided, single submitter (1 of 4 stars). 2 submissions from 2 submitters: Likely benign (1). 1 of the submissions does not count toward it. Last evaluated 2024-12-07.

Conditions:
Cardiovascular phenotype. Identifiers: MedGen CN230736.
TNXB-related disorder. Also called: TNXB-related condition.

Allele frequency attached by ClinVar (database versions not stated): gnomAD exomes 0.00001; ExAC 0.00002.

Submissions (2):

Ambry Genetics
Classification: Likely benign for Cardiovascular phenotype. Last evaluated: 2024-12-07. Review status: criteria provided, single submitter. Criteria: Ambry Variant Classification Scheme 2023. Collection method: clinical testing. Allele origin: germline.

PreventionGenetics, part of Exact Sciences
Classification: Likely benign for TNXB-related condition. Last evaluated: 2022-03-19. Review status: no assertion criteria provided. Collection method: clinical testing. Allele origin: germline. Not counted in ClinVar's aggregate classification.
Comment: This variant is classified as likely benign based on ACMG/AMP sequence variant interpretation guidelines (Richards et al. 2015 PMID: 25741868, with internal and published modifications).